The following is an entry in ClinVar:

ClinVar aggregate classification (germline): Conflicting classifications of pathogenicity. Review status: criteria provided, conflicting classifications (1 of 4 stars). 2 submissions from 2 submitters: Uncertain significance (1); Benign (1). Last evaluated 2025-12-08.

Allele frequency attached by ClinVar (database versions not stated): ExAC 0.00027; gnomAD 0.00075; TOPMed 0.00088; 1000 Genomes Project 0.00100; 1000 Genomes Project 30x 0.00109; ESP Exome Variant Server 0.00123.
gnomAD v4.1: 219 of 1,613,658 alleles (0.014%); highest among the groups gnomAD compares: African/African-American, 0.27%; 2 homozygotes.

Submissions (2):

Labcorp Genetics (formerly Invitae), Labcorp
Classification: Benign. Last evaluated: 2025-12-08. Review status: criteria provided, single submitter. Criteria: Invitae Variant Classification Sherloc (09022015). Collection method: clinical testing. Allele origin: germline.

Mayo Clinic Laboratories, Mayo Clinic
Classification: Uncertain significance. Last evaluated: 2025-09-05. Review status: criteria provided, single submitter. Criteria: ACMG Guidelines, 2015. Collection method: clinical testing. Allele origin: germline. Observed: 1 variant allele.
Comment: BS1

NM_015378.4(VPS13D):c.9441G>A (p.Val3147=)

Gene: VPS13D (vacuolar protein sorting 13 homolog D; plus strand). Cytogenetic location: 1p36.22.
Variant type: single nucleotide variant.
Coding change: c.9441G>A on transcript NM_015378.4 (MANE Select); coding-DNA position 9441, G replaced by A.
Protein change: p.Val3147=; no amino-acid change (valine 3147 retained).
Molecular consequence: synonymous variant.
Genome position (GRCh38, 1-based): chr1:12,353,983, G>A. VCF-style: chr1-12353983-G-A. GRCh37 (hg19) VCF-style: chr1-12414040-G-A.
Other names: p.Val3147=; c.9366G>A, p.Val3122= (NM_018156.4).
Identifiers: ClinVar variation 2053886 (VCV002053886.5), dbSNP rs140096920, ClinGen allele CA603447.